The following is an entry in ClinVar:

ClinVar aggregate classification (germline): Uncertain significance (1 of 4 stars; one submission).

Conditions:
3-methylglutaconic aciduria, type VIIB (MGCA7B). Also called: 3-methylglutaconic aciduria, type VII, with cataracts, neurologic involvement and neutropenia; CLPB Deficiency; 3-methylglutaconic aciduria with cataracts, neurologic involvement and neutropenia. Identifiers: Orphanet 445038, MedGen C5676893, MONDO:0014561, OMIM 616271.

Submission:

Labcorp Genetics (formerly Invitae), Labcorp
Classification: Uncertain significance for 3-methylglutaconic aciduria, type VIIB. Last evaluated: 2024-05-26. Review status: criteria provided, single submitter. Criteria: Invitae Variant Classification Sherloc (09022015). Collection method: clinical testing. Allele origin: germline.
Comment: This sequence change falls in intron 12 of the CLPB gene. It does not directly change the encoded amino acid sequence of the CLPB protein. Information on the frequency of this variant in the gnomAD database is not available, as this variant may be reported differently in the database. This variant has not been reported in the literature in individuals affected with CLPB-related conditions. Experimental studies and prediction algorithms are not available or were not evaluated, and the effect of this variant on mRNA splicing is currently unknown. In summary, the available evidence is currently insufficient to determine the role of this variant in disease. Therefore, it has been classified as a Variant of Uncertain Significance.

NM_001258392.3(CLPB):c.1329+9_1329+10inv

Genes: CLPB (ClpB family mitochondrial disaggregase; minus strand), LOC126861258 (MED14-independent group 3 enhancer GRCh37_chr11:72012242-72013441; plus strand). Cytogenetic location: 11q13.4.
Variant type: Inversion.
Coding change: c.1329+9_1329+10inv on transcript NM_001258392.3 (MANE Select).
Molecular consequence: intron variant.
Genome position: GRCh38 VCF-style: chr11-72301793-GG-CC. GRCh37 (hg19) VCF-style: chr11-72012837-GG-CC.
Other names: c.1242+9_1242+10inv (NM_001258393.3); c.1419+9_1419+10inv (NM_030813.6); c.1284+9_1284+10inv (NM_001258394.3).
Identifiers: ClinVar variation 3654703 (VCV003654703.2).